The following is an entry in ClinVar:

ClinVar aggregate classification (germline): Uncertain significance. Review status: criteria provided, multiple submitters, no conflicts (2 of 4 stars). 2 submissions from 2 submitters: Uncertain significance (2). Last evaluated 2025-09-10.

Allele frequency attached by ClinVar (database versions not stated): gnomAD exomes below 0.00001.
gnomAD v4.1: 4 of 1,610,174 alleles (0.00025%); highest among the groups gnomAD compares: Non-Finnish European, 0.00025%; no homozygotes.

Submissions (2):

Ambry Genetics
Classification: Uncertain significance. Last evaluated: 2025-09-10. Review status: criteria provided, single submitter. Criteria: Ambry Variant Classification Scheme 2023. Collection method: clinical testing. Allele origin: germline.

GeneDx
Classification: Uncertain significance. Last evaluated: 2022-04-06. Review status: criteria provided, single submitter. Criteria: GeneDx Variant Classification Process June 2021. Collection method: clinical testing. Allele origin: germline. Affected: yes.
Comment: Not observed at significant frequency in large population cohorts (gnomAD); In silico analysis supports that this missense variant has a deleterious effect on protein structure/function; Has not been previously published as pathogenic or benign to our knowledge

NM_002972.4(SBF1):c.3562C>T (p.Arg1188Cys)

Gene: SBF1 (SET binding factor 1; minus strand). Cytogenetic location: 22q13.33.
Variant type: single nucleotide variant.
Coding change: c.3562C>T on transcript NM_002972.4 (MANE Select); coding-DNA position 3562, C replaced by T.
Protein change: p.Arg1188Cys; replaces arginine 1188 with cysteine.
Molecular consequence: missense variant.
Genome position (GRCh38, 1-based): chr22:50,459,596, G>A on the plus strand (C>T on the coding strand, the complement: SBF1 is on the minus strand). VCF-style: chr22-50459596-G-A. GRCh37 (hg19) VCF-style: chr22-50898025-G-A.
Other names: c.3565C>T, p.Arg1189Cys (NM_001365819.1, NM_001410794.1); c.3562C>T, p.Arg1188Cys (NM_001410795.1, NM_197971.1); short protein forms R1188C, R1189C.
Identifiers: ClinVar variation 1708835 (VCV001708835.3), dbSNP rs2067413335, ClinGen allele CA412204499.